The following is an entry in ClinVar:

ClinVar aggregate classification (germline): Uncertain significance (1 of 4 stars; one submission).

Submission:

Women's Health and Genetics/Laboratory Corporation of America, LabCorp
Classification: Uncertain significance. Last evaluated: 2025-04-24. Review status: criteria provided, single submitter. Criteria: LabCorp Variant Classification Summary - May 2015. Collection method: clinical testing. Allele origin: germline.
Comment: Variant summary: The variant involves the duplication of exons 1-6 in the SLC29A3 gene. A presumed nomenclature of c.(?_-52)_(*778_?)dup has been designated for the purposes of this classification. This duplication includes the entire coding sequence of the gene. As exact breakpoints are unknown, it may extend beyond the annotated region of the gene, to include other flanking genes. The variant was absent in 21694 control chromosomes. The available data on variant occurrences in the general population are insufficient to allow any conclusion about variant significance. To our knowledge, no occurrence of c.(?_-52)_(*778_?)dup in individuals affected with H Syndrome and no experimental evidence demonstrating its impact on protein function have been reported. No submitters have cited clinical-significance assessments for this variant to ClinVar. Based on the evidence outlined above, the variant was classified as uncertain significance.

NC_000010.10:g.(?_73079015)_(73123143_?)dup

Gene: SLC29A3 (solute carrier family 29 member 3; plus strand). Cytogenetic location: 10q22.1.
Variant type: Duplication.
Identifiers: ClinVar variation 3896656 (VCV003896656.2).